The following is an entry in ClinVar:

ClinVar aggregate classification (germline): Uncertain significance (1 of 4 stars; one submission).

gnomAD v4.1: 2 of 1,611,970 alleles (0.00012%); highest among the groups gnomAD compares: Non-Finnish European, 0.00017%; no homozygotes.

Submission:

GeneDx
Classification: Uncertain significance. Last evaluated: 2026-03-30. Review status: criteria provided, single submitter. Criteria: GeneDx Variant Classification Process June 2021. Collection method: clinical testing. Allele origin: germline.
Comment: Not observed at significant frequency in large population cohorts (gnomAD); In silico analysis suggests that this missense variant does not alter protein structure/function; Has not been previously published as pathogenic or benign to our knowledge

NM_001377.3(DYNC2H1):c.8039A>G (p.Lys2680Arg)

Gene: DYNC2H1 (dynein cytoplasmic 2 heavy chain 1; plus strand). Cytogenetic location: 11q22.3.
Variant type: single nucleotide variant.
Coding change: c.8039A>G on transcript NM_001377.3 (MANE Select); coding-DNA position 8039, A replaced by G.
Protein change: p.Lys2680Arg; replaces lysine 2680 with arginine.
Molecular consequence: missense variant.
Genome position (GRCh38, 1-based): chr11:103,199,427, A>G. VCF-style: chr11-103199427-A-G. GRCh37 (hg19) VCF-style: chr11-103070156-A-G.
Other names: c.8039A>G, p.Lys2680Arg (NM_001080463.2); short protein forms K2680R.
Identifiers: ClinVar variation 5017685 (VCV005017685.1).